The following is an entry in ClinVar:

NM_001376.5(DYNC1H1):c.12031A>G (p.Thr4011Ala)

Gene: DYNC1H1 (dynein cytoplasmic 1 heavy chain 1; plus strand). Cytogenetic location: 14q32.31.
Variant type: single nucleotide variant.
Coding change: c.12031A>G on transcript NM_001376.5 (MANE Select); coding-DNA position 12031, A replaced by G.
Protein change: p.Thr4011Ala; replaces threonine 4011 with alanine.
Molecular consequence: missense variant.
Genome position (GRCh38, 1-based): chr14:102,041,663, A>G. VCF-style: chr14-102041663-A-G. GRCh37 (hg19) VCF-style: chr14-102508000-A-G.
Other names: short protein forms T4011A.
Identifiers: ClinVar variation 968933 (VCV000968933.30), dbSNP rs753650013, ClinGen allele CA7353806.

ClinVar aggregate classification (germline): Likely benign. Review status: criteria provided, multiple submitters, no conflicts (2 of 4 stars). 4 submissions from 4 submitters: Likely benign (4). Last evaluated 2026-01-28.

Conditions:
Inborn genetic diseases. Identifiers: MedGen C0950123, MeSH D030342.
Charcot-Marie-Tooth disease axonal type 2O. Also called: Charcot-Marie-Tooth Neuropathy Type 2O; Charcot-Marie-Tooth disease, axonal, type 20; CHARCOT-MARIE-TOOTH DISEASE, AXONAL, AUTOSOMAL DOMINANT, TYPE 2O; CHARCOT-MARIE-TOOTH NEUROPATHY, AXONAL, TYPE 2O. Identifiers: Orphanet 284232, MedGen C3280220, MONDO:0013644, OMIM 614228.

Allele frequency attached by ClinVar (database versions not stated): ExAC 0.00004; gnomAD exomes 0.00005; TOPMed 0.00005; gnomAD 0.00006.
gnomAD v4.1: 85 of 1,614,042 alleles (0.0053%); highest among the groups gnomAD compares: Non-Finnish European, 0.0064%; 1 homozygote.

Submissions (4):

Labcorp Genetics (formerly Invitae), Labcorp
Classification: Likely benign for Charcot-Marie-Tooth disease axonal type 2O. Last evaluated: 2026-01-28. Review status: criteria provided, single submitter. Criteria: Invitae Variant Classification Sherloc (09022015). Collection method: clinical testing. Allele origin: germline.

Ambry Genetics
Classification: Likely benign for Inborn genetic diseases. Last evaluated: 2025-12-15. Review status: criteria provided, single submitter. Criteria: Ambry Variant Classification Scheme 2023. Collection method: clinical testing. Allele origin: germline.

Blueprint Genetics
Classification: Likely benign. Last evaluated: 2024-09-19. Review status: criteria provided, single submitter. Criteria: ACMG Guidelines, 2015. Collection method: clinical testing. Allele origin: germline.

CeGaT Center for Human Genetics Tuebingen
Classification: Likely benign. Last evaluated: 2024-02-01. Review status: criteria provided, single submitter. Criteria: CeGaT Center For Human Genetics Tuebingen Variant Classification Criteria Version 2. Collection method: clinical testing. Allele origin: germline. Affected: yes. Observed: 1 variant allele.
Comment: DYNC1H1: BP4, BS2